The following is an entry in ClinVar:

NM_007078.3(LDB3):c.626A>T (p.Glu209Val)

Gene: LDB3 (LIM domain binding 3; plus strand). Cytogenetic location: 10q23.2.
Variant type: single nucleotide variant.
Coding change: c.626A>T on transcript NM_007078.3 (MANE Select); coding-DNA position 626, A replaced by T.
Protein change: p.Glu209Val; replaces glutamic acid 209 with valine.
Molecular consequence: missense variant. On other transcripts: intron variant (5).
Genome position (GRCh38, 1-based): chr10:86,681,740, A>T. VCF-style: chr10-86681740-A-T. GRCh37 (hg19) VCF-style: chr10-88441497-A-T.
Other names: c.626A>T, p.Glu209Val (NM_001080115.2, NM_001171610.2, NM_001171611.2 and 3 more transcripts); c.321+1583A>T (NM_001368068.1, NM_001368066.1, NM_001080114.2 and 2 more transcripts); short protein forms E209V.
Identifiers: ClinVar variation 966501 (VCV000966501.8), dbSNP rs1845153117, ClinGen allele CA377455299.

ClinVar aggregate classification (germline): Uncertain significance (1 of 4 stars; one submission).

Conditions:
Myofibrillar myopathy 4. Also called: Zaspopathy (type). Identifiers: Orphanet 98912, MedGen C4721886, MONDO:0012277, OMIM 609452.

Submission:

Labcorp Genetics (formerly Invitae), Labcorp
Classification: Uncertain significance for Myofibrillar myopathy 4. Last evaluated: 2020-02-24. Review status: criteria provided, single submitter. Criteria: Invitae Variant Classification Sherloc (09022015). Collection method: clinical testing. Allele origin: germline.
Comment: In summary, the available evidence is currently insufficient to determine the role of this variant in disease. Therefore, it has been classified as a Variant of Uncertain Significance. Experimental studies and prediction algorithms are not available or were not evaluated, and the functional significance of this variant is currently unknown. This variant has not been reported in the literature in individuals with LDB3-related conditions. This variant is not present in population databases (ExAC no frequency). This sequence change replaces glutamic acid with valine at codon 209 of the LDB3 protein (p.Glu209Val). The glutamic acid residue is highly conserved and there is a moderate physicochemical difference between the two amino acids. The LDB3 gene has multiple clinically relevant transcripts. This variant occurs in alternate transcript NM_007078.2, and corresponds to NM_001080116.1:c321+1583A>T. in the primary transcript.